The following is an entry in ClinVar:

NM_004369.4(COL6A3):c.5619C>T (p.His1873=)

Gene: COL6A3 (collagen type VI alpha 3 chain; minus strand). Cytogenetic location: 2q37.3.
Variant type: single nucleotide variant.
Coding change: c.5619C>T on transcript NM_004369.4 (MANE Select); coding-DNA position 5619, C replaced by T.
Protein change: p.His1873=; no amino-acid change (histidine 1873 retained).
Molecular consequence: synonymous variant.
Genome position (GRCh38, 1-based): chr2:237,365,917, G>A on the plus strand (C>T on the coding strand, the complement: COL6A3 is on the minus strand). VCF-style: chr2-237365917-G-A. GRCh37 (hg19) VCF-style: chr2-238274560-G-A.
Other names: c.3798C>T, p.His1266= (NM_057166.5); c.5001C>T, p.His1667= (NM_057167.4).
Identifiers: ClinVar variation 166942 (VCV000166942.64), dbSNP rs146355600, ClinGen allele CA233832.

ClinVar aggregate classification (germline): Conflicting classifications of pathogenicity. Review status: criteria provided, conflicting classifications (1 of 4 stars). 7 submissions from 7 submitters: Uncertain significance (1); Likely benign (6). Last evaluated 2026-03-01.

Conditions:
Collagen 6-related myopathy. Identifiers: MedGen CN117976, MONDO:0100225.
Bethlem myopathy 1A. Also called: MYOPATHY, BENIGN CONGENITAL, WITH CONTRACTURES; Bethlem myopathy 1; Bethlem Muscular Dystrophy. Identifiers: Orphanet 610, MedGen CN029274, MONDO:0024530, OMIM 158810.

Allele frequency attached by ClinVar (database versions not stated): 1000 Genomes Project 30x 0.00016; 1000 Genomes Project 0.00020; gnomAD 0.00051 and 0.00054; gnomAD exomes 0.00058 and 0.00060; ExAC 0.00059; TOPMed 0.00062; ESP Exome Variant Server 0.00069.
gnomAD v4.1: 972 of 1,614,176 alleles (0.06%); highest among the groups gnomAD compares: Middle Eastern, 0.89%; 1 homozygote.

Submissions (7):

CeGaT Center for Human Genetics Tuebingen
Classification: Likely benign. Last evaluated: 2026-03-01. Review status: criteria provided, single submitter. Criteria: CeGaT Center For Human Genetics Tuebingen Variant Classification Criteria Version 2. Collection method: clinical testing. Allele origin: germline. Affected: yes. Observed: 4 variant alleles.
Comment: COL6A3: BP4, BP7

Labcorp Genetics (formerly Invitae), Labcorp
Classification: Likely benign for Bethlem myopathy 1A. Last evaluated: 2026-01-05. Review status: criteria provided, single submitter. Criteria: Invitae Variant Classification Sherloc (09022015). Collection method: clinical testing. Allele origin: germline.

Blueprint Genetics
Classification: Likely benign. Last evaluated: 2024-11-25. Review status: criteria provided, single submitter. Criteria: ACMG Guidelines, 2015. Collection method: clinical testing. Allele origin: germline.

GeneDx
Classification: Likely benign. Last evaluated: 2020-02-06. Review status: criteria provided, single submitter. Criteria: GeneDx Variant Classification Process June 2021. Collection method: clinical testing. Allele origin: germline. Affected: yes.
Comment: This variant is associated with the following publications: (PMID: 18825676)

Illumina Laboratory Services, Illumina
Classification: Likely benign for Collagen VI-related myopathy. Last evaluated: 2017-04-27. Review status: criteria provided, single submitter. Criteria: ICSL Variant Classification Criteria 13 December 2019. Collection method: clinical testing. Allele origin: germline.
Comment: This variant was observed as part of a predisposition screen in an ostensibly healthy population. A literature search was performed for the gene, cDNA change, and amino acid change (where applicable). Publications were found based on this search. The evidence from the literature, in combination with allele frequency data from public databases where available, was sufficient to determine this variant is unlikely to cause disease. Therefore, this variant is classified as likely benign.

Eurofins Ntd Llc (ga)
Classification: Uncertain significance. Last evaluated: 2017-03-23. Review status: criteria provided, single submitter. Criteria: EGL Classification Definitions 2015. Collection method: clinical testing. Allele origin: germline. Observed: 15 variant alleles, 15 heterozygotes.

PreventionGenetics, part of Exact Sciences
Classification: Likely benign. Review status: criteria provided, single submitter. Criteria: ACMG Guidelines, 2015. Collection method: clinical testing. Allele origin: germline.

Literature cited by the submitters: PubMed 18825676 (cited by Illumina Laboratory Services, Illumina).